The following is an entry in ClinVar:

ClinVar aggregate classification (germline): Uncertain significance (1 of 4 stars; one submission).

Submission:

Ambry Genetics
Classification: Uncertain significance. Last evaluated: 2022-05-19. Review status: criteria provided, single submitter. Criteria: Ambry Variant Classification Scheme 2023. Collection method: clinical testing. Allele origin: germline.
Comment: The p.Q234H variant (also known as c.702G>C), located in coding exon 5 of the IDH1 gene, results from a G to C substitution at nucleotide position 702. The glutamine at codon 234 is replaced by histidine, an amino acid with highly similar properties. This amino acid position is conserved. In addition, this alteration is predicted to be tolerated by in silico analysis. Since supporting evidence is limited at this time, the clinical significance of this alteration remains unclear.

NM_005896.4(IDH1):c.702G>C (p.Gln234His)

Gene: IDH1 (isocitrate dehydrogenase (NADP(+)) 1; minus strand). Cytogenetic location: 2q34.
Variant type: single nucleotide variant.
Coding change: c.702G>C on transcript NM_005896.4 (MANE Select); coding-DNA position 702, G replaced by C.
Protein change: p.Gln234His; replaces glutamine 234 with histidine.
Molecular consequence: missense variant.
Genome position (GRCh38, 1-based): chr2:208,242,142, C>G on the plus strand (G>C on the coding strand, the complement: IDH1 is on the minus strand). VCF-style: chr2-208242142-C-G. GRCh37 (hg19) VCF-style: chr2-209106866-C-G.
Other names: c.702G>C, p.Gln234His (NM_001282386.1, NM_001282387.1); short protein forms Q234H.
Identifiers: ClinVar variation 1756785 (VCV001756785.2), dbSNP rs2469019719, ClinGen allele CA350098104.